The following is an entry in ClinVar:

NM_138387.4(G6PC3):c.304T>G (p.Ser102Ala)

Gene: G6PC3 (glucose-6-phosphatase catalytic subunit 3; plus strand). Cytogenetic location: 17q21.31.
Variant type: single nucleotide variant.
Coding change: c.304T>G on transcript NM_138387.4 (MANE Select); coding-DNA position 304, T replaced by G.
Protein change: p.Ser102Ala; replaces serine 102 with alanine.
Molecular consequence: missense variant. On other transcripts: 5 prime UTR variant (4).
Genome position (GRCh38, 1-based): chr17:44,074,245, T>G. VCF-style: chr17-44074245-T-G. GRCh37 (hg19) VCF-style: chr17-42151613-T-G.
Other names: c.304T>G, p.Ser102Ala (NM_001319945.2); c.-42T>G (NM_001384165.1, NM_001384166.1, NM_001384167.1 and 1 more transcripts); short protein forms S102A.
Identifiers: ClinVar variation 2066810 (VCV002066810.4), dbSNP rs2509364472, ClinGen allele CA399725930.

ClinVar aggregate classification (germline): Uncertain significance (1 of 4 stars; one submission).

Conditions:
Autosomal recessive severe congenital neutropenia due to G6PC3 deficiency. Also called: G6PC3 Deficiency; NEUTROPENIA, SEVERE CONGENITAL, 4, AUTOSOMAL RECESSIVE. Identifiers: Orphanet 331176, MedGen C2751630, MONDO:0012930, OMIM 612541.

Submission:

Labcorp Genetics (formerly Invitae), Labcorp
Classification: Uncertain significance for Autosomal recessive severe congenital neutropenia due to G6PC3 deficiency. Last evaluated: 2021-12-30. Review status: criteria provided, single submitter. Criteria: Invitae Variant Classification Sherloc (09022015). Collection method: clinical testing. Allele origin: germline.
Comment: This variant is not present in population databases (gnomAD no frequency). In summary, the available evidence is currently insufficient to determine the role of this variant in disease. Therefore, it has been classified as a Variant of Uncertain Significance. Algorithms developed to predict the effect of missense changes on protein structure and function (SIFT, PolyPhen-2, Align-GVGD) all suggest that this variant is likely to be tolerated. This variant has not been reported in the literature in individuals affected with G6PC3-related conditions. This sequence change replaces serine, which is neutral and polar, with alanine, which is neutral and non-polar, at codon 102 of the G6PC3 protein (p.Ser102Ala).